The following is an entry in ClinVar:

NM_182493.3(MYLK3):c.749C>A (p.Ala250Asp)

Gene: MYLK3 (myosin light chain kinase 3; minus strand). Cytogenetic location: 16q11.2.
Variant type: single nucleotide variant.
Coding change: c.749C>A on transcript NM_182493.3 (MANE Select); coding-DNA position 749, C replaced by A.
Protein change: p.Ala250Asp; replaces alanine 250 with aspartic acid.
Molecular consequence: missense variant. On other transcripts: intron variant (1).
Genome position (GRCh38, 1-based): chr16:46,737,963, G>T on the plus strand (C>A on the coding strand, the complement: MYLK3 is on the minus strand). VCF-style: chr16-46737963-G-T. GRCh37 (hg19) VCF-style: chr16-46771875-G-T.
Other names: c.-23+2094C>A (NM_001308301.1); short protein forms A250D.
Identifiers: ClinVar variation 4810884 (VCV004810884.1).

ClinVar aggregate classification (germline): Uncertain significance (1 of 4 stars; one submission).

gnomAD v4.1: 13 of 1,614,028 alleles (0.00081%); highest among the groups gnomAD compares: Non-Finnish European, 0.0011%; 1 homozygote.

Submission:

Labcorp Genetics (formerly Invitae), Labcorp
Classification: Uncertain significance. Last evaluated: 2025-09-08. Review status: criteria provided, single submitter. Criteria: Invitae Variant Classification Sherloc (09022015). Collection method: clinical testing. Allele origin: germline.
Comment: This sequence change replaces alanine, which is neutral and non-polar, with aspartic acid, which is acidic and polar, at codon 250 of the MYLK3 protein (p.Ala250Asp). The frequency data for this variant in the population databases is considered unreliable, as metrics indicate poor data quality at this position in the gnomAD database. This variant has not been reported in the literature in individuals affected with MYLK3-related conditions. An algorithm developed to predict the effect of missense changes on protein structure and function outputs the following: PolyPhen-2: "Benign". The aspartic acid amino acid residue is found in multiple mammalian species, which suggests that this missense change does not adversely affect protein function. In summary, the available evidence is currently insufficient to determine the role of this variant in disease. Therefore, it has been classified as a Variant of Uncertain Significance.